The following is an entry in ClinVar:

NM_006005.3(WFS1):c.2560C>T (p.Leu854Phe)

Gene: WFS1 (wolframin ER transmembrane glycoprotein; plus strand). Cytogenetic location: 4p16.1.
Variant type: single nucleotide variant.
Coding change: c.2560C>T on transcript NM_006005.3 (MANE Select); coding-DNA position 2560, C replaced by T.
Protein change: p.Leu854Phe; replaces leucine 854 with phenylalanine.
Molecular consequence: missense variant.
Genome position (GRCh38, 1-based): chr4:6,302,355, C>T. VCF-style: chr4-6302355-C-T. GRCh37 (hg19) VCF-style: chr4-6304082-C-T.
Other names: c.2560C>T, p.Leu854Phe (NM_001145853.1); short protein forms L854F.
Identifiers: ClinVar variation 229644 (VCV000229644.9), dbSNP rs771391168, ClinGen allele CA2839778.

ClinVar aggregate classification (germline): Uncertain significance/Uncertain risk allele. Review status: criteria provided, multiple submitters, no conflicts (2 of 4 stars). 5 submissions from 5 submitters: Uncertain significance (4); Uncertain risk allele (1). Last evaluated 2025-02-25.

Conditions:
Autosomal dominant nonsyndromic hearing loss 6 (LFSNHL). Also called: DEAFNESS, AUTOSOMAL DOMINANT 6; Autosomal dominant nonsyndromic deafness 6; DEAFNESS, AUTOSOMAL DOMINANT 14; DEAFNESS, AUTOSOMAL DOMINANT 38. Identifiers: Orphanet 90635, MedGen C1833021, MONDO:0010963, OMIM 600965.
Type 2 diabetes mellitus. Also called: Type II diabetes mellitus. Identifiers: MedGen C0011860, MeSH D003924, MONDO:0005148, OMIM 125853, HP:0005978.
Cataract 41 (CTRCT41). Also called: CATARACT 41, CONGENITAL NUCLEAR TYPE. Identifiers: Orphanet 91492, Orphanet 98991, Orphanet 98992, Orphanet 98995, MedGen C3805412, MONDO:0007287, OMIM 116400.
Wolfram syndrome 1 (WFS1). Identifiers: Orphanet 3463, MedGen C4551693, MONDO:0009101, OMIM 222300.
Wolfram-like syndrome. Also called: HEARING LOSS, PROGRESSIVE, WITH OPTIC ATROPHY AND/OR IMPAIRED GLUCOSE REGULATION. Identifiers: Orphanet 411590, MedGen C3280358, MONDO:0013673, OMIM 614296.

Allele frequency attached by ClinVar (database versions not stated): gnomAD exomes 0.00002 and 0.00003; ExAC 0.00003.
gnomAD v4.1: 32 of 1,613,010 alleles (0.002%); highest among the groups gnomAD compares: Non-Finnish European, 0.0012%; no homozygotes.

Submissions (5):

ARUP Laboratories, Molecular Genetics and Genomics, ARUP Laboratories
Classification: Uncertain significance. Last evaluated: 2025-02-25. Review status: criteria provided, single submitter. Criteria: ARUP Molecular Germline Variant Investigation Process 2024. Collection method: clinical testing. Allele origin: germline.
Comment: The WFS1 c.2560C>T; p.Leu854Phe variant (rs771391168), to our knowledge, is not reported in the medical literature or gene specific databases. This variant is found in the general population with an overall allele frequency of 0.003% (8/250,000 alleles) in the Genome Aggregation Database (v2.1.1). Computational analyses are uncertain whether this variant is neutral or deleterious (REVEL: 0.596). Due to limited information, the clinical significance of this variant is uncertain at this time.

Blueprint Genetics
Classification: Uncertain significance. Last evaluated: 2024-10-31. Review status: criteria provided, single submitter. Criteria: ACMG Guidelines, 2015. Collection method: clinical testing. Allele origin: germline.

Fulgent Genetics
Classification: Uncertain significance for Cataract 41; Type 2 diabetes mellitus; Wolfram syndrome 1; Autosomal dominant nonsyndromic hearing loss 6; Wolfram-like syndrome. Last evaluated: 2022-04-28. Review status: criteria provided, single submitter. Criteria: ACMG Guidelines, 2015. Collection method: clinical testing. Allele origin: unknown.

Laboratory for Molecular Medicine, Mass General Brigham Personalized Medicine
Classification: Uncertain significance. Last evaluated: 2016-12-22. Review status: criteria provided, single submitter. Criteria: LMM Criteria. Collection method: clinical testing. Allele origin: germline. Observed: 2 variant alleles.
Comment: This variant has also been identified in 2 /6596 Finnish chromosomes and 2/65330 European chromosomes by the Exome Aggregat ion Consortium (ExAC; dbSNP rs771391168). Althou gh this variant has been seen in the general population, its frequency is not hi gh enough to rule out a pathogenic role. Computational prediction tools and cons ervation analysis do not provide strong support for or against an impact to the protein. In summary, the clinical significance of the p.Leu854Phe variant is unc ertain.

Clinical Genomics, Uppaluri K&H Personalized Medicine Clinic
Classification: Uncertain risk allele for Wolfram syndrome 1. Review status: criteria provided, single submitter. Criteria: K & H Uppaluri Personalized Medicine Clinic Variant Classification & Assertion Criteria_Updated V.1. Collection method: research. Allele origin: unknown. Inheritance: Autosomal recessive inheritance.
Comment: Potent mutations in WFS1 gene are associated with Wolfram's syndrome, an autosomal recessive condition, which cause diabetes mellitus, diabetes insipidus, deafness and optic atrophy. However no sufficient evidence is found to ascertain the role of this particular variant rs771391168 in Wolfram's syndrome yet.

Literature cited by the submitters: PubMed 20738327 (cited by Clinical Genomics, Uppaluri K&H Personalized Medicine Clinic); PubMed 33879153 (cited by Clinical Genomics, Uppaluri K&H Personalized Medicine Clinic); PubMed 12955714 (cited by Clinical Genomics, Uppaluri K&H Personalized Medicine Clinic); PubMed 18060660 (cited by Clinical Genomics, Uppaluri K&H Personalized Medicine Clinic); PubMed 20301750 (cited by Clinical Genomics, Uppaluri K&H Personalized Medicine Clinic); PubMed 17603484 (cited by Clinical Genomics, Uppaluri K&H Personalized Medicine Clinic).